The following is an entry in ClinVar:

NM_013339.4(ALG6):c.680+2T>G

Gene: ALG6 (ALG6 alpha-1,3-glucosyltransferase; plus strand). Cytogenetic location: 1p31.3.
Variant type: single nucleotide variant.
Coding change: c.680+2T>G on transcript NM_013339.4 (MANE Select); the canonical splice donor site of the intron after coding-DNA position 680, T replaced by G.
Molecular consequence: splice donor variant.
Genome position (GRCh38, 1-based): chr1:63,411,333, T>G. VCF-style: chr1-63411333-T-G. GRCh37 (hg19) VCF-style: chr1-63877004-T-G.
Other names: IVS7DS, T-G, +2.
Identifiers: ClinVar variation 30421 (VCV000030421.12), dbSNP rs868768232, ClinGen allele CA23806609.
Genomic context (GRCh38, chr1:63,411,333, plus strand): 5'-TTGCCATTTTTTTGCTTTTTACTTGGCAAGTGTTTTAAAAAAGGCCTCAAAGGAAAGGGG[T>G]GAGTGACTTTTAAACACTAGAATCCAAAAATTTACTTCAGATAATTTTTTTGGCATACTT-3'

ClinVar aggregate classification (germline): Pathogenic/Likely pathogenic. Review status: criteria provided, multiple submitters, no conflicts (2 of 4 stars). 6 submissions from 6 submitters: Pathogenic (4); Likely pathogenic (1). 1 of the submissions does not count toward it. Last evaluated 2026-03-17.

Conditions:
ALG6-congenital disorder of glycosylation 1C (CDG1C). Also called: CDG Ic; Congenital disorder of glycosylation type 1C; Congenital disorder of glycosylation, type Ic; CARBOHYDRATE-DEFICIENT GLYCOPROTEIN SYNDROME, TYPE I, WITH DEFICIENT GLYCOSYLATION OF DOLICHOL-LINKED OLIGOSACCHARIDE; CARBOHYDRATE-DEFICIENT GLYCOPROTEIN SYNDROME, TYPE V. Identifiers: Orphanet 79320, MedGen C2930997, MONDO:0011291, OMIM 603147.

Allele frequency attached by ClinVar (database versions not stated): gnomAD 0.00001; gnomAD exomes 0.00001; TOPMed 0.00001.
gnomAD v4.1: 2 of 1,612,972 alleles (0.00012%); highest among the groups gnomAD compares: Non-Finnish European, 0.000085%; no homozygotes.

Submissions (6):

Dasa
Classification: Pathogenic. Last evaluated: 2026-03-17. Review status: criteria provided, single submitter. Criteria: DASA Assertion Criteria. Collection method: clinical testing. Allele origin: germline.
Comment: NM_013339.4(ALG6):c.680+2T>G introduces a premature termination codon predicted to result in loss of normal protein function. Loss-of-function is an established mechanism of disease for this gene. This variant has been observed in affected individuals with related phenotype in a genotype context consistent with recessive disease (PMID: 27287710; PMID: 16007612). Functional evidence supports a deleterious effect on the gene or gene product (PMID: 27287710; PMID: 16007612). This variant has been recurrently observed in individuals with related phenotype (PMID: 27287710; PMID: 16007612). The variant is present at low frequency in population datasets. Based on the available data, this variant is classified as pathogenic.

Natera, Inc.
Classification: Pathogenic for Congenital disorder of glycosylation type 1c. Last evaluated: 2025-05-27. Review status: criteria provided, single submitter. Criteria: Natera Variant Classification Schema (03/2026). Collection method: clinical testing. Allele origin: germline.
Comment: The c.680+2T>G variant in ALG6 is a canonical splice donor site variant predicted to affect pre-mRNA splicing, which may result in an abnormal transcript and altered protein product. This variant is expected to result in nonsense mediated decay, truncation, or a dysfunctional protein product. This variant is rare in the general population with a frequency below the threshold expected for the associated phenotype(s). This variant has been observed in one or more individuals affected with the associated recessive disease, as either homozygous or compound heterozygous with a second variant (PMID: 16007612). Functional studies show that this variant may disrupt protein function (PMID: 16007612). Given the available evidence, this variant is classified as Pathogenic.

Labcorp Genetics (formerly Invitae), Labcorp
Classification: Pathogenic for ALG6-congenital disorder of glycosylation 1C. Last evaluated: 2025-01-17. Review status: criteria provided, single submitter. Criteria: Invitae Variant Classification Sherloc (09022015). Collection method: clinical testing. Allele origin: germline.
Comment: This sequence change affects a donor splice site in intron 8 of the ALG6 gene. It is expected to disrupt RNA splicing. Variants that disrupt the donor or acceptor splice site typically lead to a loss of protein function (PMID: 16199547), and loss-of-function variants in ALG6 are known to be pathogenic (PMID: 19862844). This variant is present in population databases (no rsID available, gnomAD 0.01%). Disruption of this splice site has been observed in individual(s) with congenital disorder of glycosylation (PMID: 16007612). In at least one individual the data is consistent with being in trans (on the opposite chromosome) from a pathogenic variant. This variant is also known as IVS7+2T>G. ClinVar contains an entry for this variant (Variation ID: 30421). For these reasons, this variant has been classified as Pathogenic.

Baylor Genetics
Classification: Pathogenic for ALG6-congenital disorder of glycosylation 1C. Last evaluated: 2023-08-02. Review status: criteria provided, single submitter. Criteria: ACMG Guidelines, 2015. Collection method: clinical testing. Allele origin: unknown.

Myriad Genetics, Inc.
Classification: Likely pathogenic for ALG6-congenital disorder of glycosylation 1C. Last evaluated: 2021-11-16. Review status: criteria provided, single submitter. Criteria: Myriad Women's Health Autosomal Recessive and X-Linked Classification Criteria (2021). Collection method: clinical testing. Allele origin: unknown.
Comment: NM_013339.3(ALG6):c.680+2T>G is a canonical splice variant classified as likely pathogenic in the context of congenital disorder of glycosylation type Ic. c.680+2T>G has been observed in cases with relevant disease (PMID: 16007612, 27287710). Functional assessments of this variant are not available in the literature. c.680+2T>G has been observed in population frequency databases (gnomAD: OTH 0.02%). NM_013339.3(ALG6):c.680+2T>G is a canonical splice variant that has been observed more frequently in cases with the relevant disease than in healthy populations. Please note: this variant was assessed in the context of healthy population screening.

OMIM
Classification: Pathogenic for CONGENITAL DISORDER OF GLYCOSYLATION, TYPE Ic. Last evaluated: 2005-08-15. Review status: no assertion criteria provided. Collection method: literature only. Allele origin: germline. Not counted in ClinVar's aggregate classification.

Literature cited by the submitters: PubMed 27287710 (cited by Dasa and Myriad Genetics, Inc.); PubMed 16007612 (cited by 5 submitters); PubMed 16199547 (cited by Labcorp Genetics (formerly Invitae), Labcorp); PubMed 19862844 (cited by Labcorp Genetics (formerly Invitae), Labcorp).